The following is an entry in ClinVar:

NM_176824.3(BBS7):c.1677-1del

Gene: BBS7 (Bardet-Biedl syndrome 7; minus strand). Cytogenetic location: 4q27.
Variant type: Deletion.
Coding change: c.1677-1del on transcript NM_176824.3 (MANE Select); the canonical splice acceptor site of the intron before coding-DNA position 1677, one base deleted (G; older notation c.1677-1delG).
Molecular consequence: splice acceptor variant.
Genome position (GRCh38, 1-based): chr4:121,828,729, C deleted on the plus strand (G on the coding strand, the reverse complement: BBS7 is on the minus strand). VCF-style (leftmost placement, unchanged base first): chr4-121828728-TC-T. GRCh37 (hg19) VCF-style: chr4-122749883-TC-T.
Other names: c.1677-1del (NM_018190.4).
Identifiers: ClinVar variation 3638254 (VCV003638254.2).

ClinVar aggregate classification (germline): Likely pathogenic (1 of 4 stars; one submission).

Conditions:
Bardet-Biedl syndrome (BBS). Identifiers: Orphanet 110, MedGen C0752166, MONDO:0015229.

Submission:

Labcorp Genetics (formerly Invitae), Labcorp
Classification: Likely pathogenic for Bardet-Biedl syndrome. Last evaluated: 2024-02-02. Review status: criteria provided, single submitter. Criteria: Invitae Variant Classification Sherloc (09022015). Collection method: clinical testing. Allele origin: germline.
Comment: This sequence change affects a splice site in intron 15 of the BBS7 gene. It is expected to disrupt RNA splicing. Variants that disrupt the donor or acceptor splice site typically lead to a loss of protein function (PMID: 16199547), and loss-of-function variants in BBS7 are known to be pathogenic (PMID: 12567324, 19402160, 21209035, 31196119). This variant is not present in population databases (gnomAD no frequency). This variant has not been reported in the literature in individuals affected with BBS7-related conditions. Algorithms developed to predict the effect of sequence changes on RNA splicing suggest that this variant may disrupt the consensus splice site. In summary, the currently available evidence indicates that the variant is pathogenic, but additional data are needed to prove that conclusively. Therefore, this variant has been classified as Likely Pathogenic.

Literature cited by the submitters: PubMed 16199547; PubMed 12567324; PubMed 19402160; PubMed 21209035; PubMed 31196119.